The following is an entry in ClinVar:

ClinVar aggregate classification (germline): Uncertain significance (1 of 4 stars; one submission).

Submission:

GeneDx
Classification: Uncertain significance. Last evaluated: 2022-08-27. Review status: criteria provided, single submitter. Criteria: GeneDx Variant Classification Process June 2021. Collection method: clinical testing. Allele origin: germline. Affected: yes.
Comment: Not observed at significant frequency in large population cohorts (gnomAD); Missense variants in this gene are often considered pathogenic (HGMD); In silico analysis supports that this missense variant has a deleterious effect on protein structure/function; Has not been previously published as pathogenic or benign to our knowledge

NM_001330260.2(SCN8A):c.3706G>A (p.Asp1236Asn)

Gene: SCN8A (sodium voltage-gated channel alpha subunit 8; plus strand). Cytogenetic location: 12q13.13.
Variant type: single nucleotide variant.
Coding change: c.3706G>A on transcript NM_001330260.2 (MANE Select); coding-DNA position 3706, G replaced by A.
Protein change: p.Asp1236Asn; replaces aspartic acid 1236 with asparagine.
Molecular consequence: missense variant.
Genome position (GRCh38, 1-based): chr12:51,774,249, G>A. VCF-style: chr12-51774249-G-A. GRCh37 (hg19) VCF-style: chr12-52168033-G-A.
Other names: c.3706G>A, p.Asp1236Asn (NM_001177984.3, NM_001369788.1, NM_014191.4); short protein forms D1236N.
Identifiers: ClinVar variation 2431027 (VCV002431027.1), dbSNP rs2540278950, ClinGen allele CA384899049.
Genomic context (GRCh38, chr12:51,774,249, plus strand): 5'-GCCTTCGAGGACATCTACATTGAGCAGAGAAAGACCATCCGCACCATCCTGGAATATGCT[G>A]ACAAAGTCTTCACCTATATCTTCATCCTGGAGATGTTGCTCAAGTGGACAGCCTATGGCT-3'
Protein context (NP_001317189.1, residues 1226-1246): KTIRTILEYA[Asp1236Asn]KVFTYIFILE